The following is an entry in ClinVar:

NM_025265.4(TSEN2):c.351A>G (p.Arg117=)

Gene: TSEN2 (tRNA splicing endonuclease subunit 2; plus strand). Cytogenetic location: 3p25.2.
Variant type: single nucleotide variant.
Coding change: c.351A>G on transcript NM_025265.4 (MANE Select); coding-DNA position 351, A replaced by G.
Protein change: p.Arg117=; no amino-acid change (arginine 117 retained).
Molecular consequence: synonymous variant. On other transcripts: non-coding transcript variant (1).
Genome position (GRCh38, 1-based): chr3:12,503,304, A>G. VCF-style: chr3-12503304-A-G. GRCh37 (hg19) VCF-style: chr3-12544803-A-G.
Other names: c.351A>G, p.Arg117= (NM_001145392.2, NM_001145393.3, NM_001145394.2 and 3 more transcripts).
Identifiers: ClinVar variation 2653540 (VCV002653540.24), dbSNP rs1191534817, ClinGen allele CA432265065.

ClinVar aggregate classification (germline): Likely benign (1 of 4 stars; one submission).

Allele frequency attached by ClinVar (database versions not stated): gnomAD exomes below 0.00001; gnomAD 0.00001.
gnomAD v4.1: 3 of 1,614,100 alleles (0.00019%); highest among the groups gnomAD compares: Middle Eastern, 0.016%; no homozygotes.

Submission:

CeGaT Center for Human Genetics Tuebingen
Classification: Likely benign. Last evaluated: 2023-05-01. Review status: criteria provided, single submitter. Criteria: CeGaT Center For Human Genetics Tuebingen Variant Classification Criteria Version 2. Collection method: clinical testing. Allele origin: germline. Affected: yes. Observed: 1 variant allele.
Comment: TSEN2: BP4, BP7